The following is an entry in ClinVar:

NM_001365999.1(SZT2):c.3809A>G (p.Gln1270Arg)

Gene: SZT2 (SZT2 subunit of KICSTOR complex; plus strand). Cytogenetic location: 1p34.2.
Variant type: single nucleotide variant.
Coding change: c.3809A>G on transcript NM_001365999.1 (MANE Select); coding-DNA position 3809, A replaced by G.
Protein change: p.Gln1270Arg; replaces glutamine 1270 with arginine.
Molecular consequence: missense variant.
Genome position (GRCh38, 1-based): chr1:43,428,008, A>G. VCF-style: chr1-43428008-A-G. GRCh37 (hg19) VCF-style: chr1-43893679-A-G.
Other names: c.3638A>G, p.Gln1213Arg (NM_015284.4); short protein forms Q1270R, Q1213R.
Identifiers: ClinVar variation 950016 (VCV000950016.12), dbSNP rs771793753, ClinGen allele CA809111.

ClinVar aggregate classification (germline): Uncertain significance. Review status: criteria provided, multiple submitters, no conflicts (2 of 4 stars). 4 submissions from 4 submitters: Uncertain significance (4). Last evaluated 2024-09-12.

Conditions:
Inborn genetic diseases. Identifiers: MedGen C0950123, MeSH D030342.
Developmental and epileptic encephalopathy, 18 (DEE18). Also called: Early infantile epileptic encephalopathy 18. Identifiers: Orphanet 369894, MedGen C3809624, MONDO:0014201, OMIM 615476.

Allele frequency attached by ClinVar (database versions not stated): ExAC 0.00001; gnomAD exomes 0.00001; gnomAD 0.00002 and 0.00003; TOPMed 0.00003.
gnomAD v4.1: 24 of 1,613,674 alleles (0.0015%); highest among the groups gnomAD compares: Middle Eastern, 0.016%; no homozygotes.

Submissions (4):

Ambry Genetics
Classification: Uncertain significance for Inborn genetic diseases. Last evaluated: 2024-09-12. Review status: criteria provided, single submitter. Criteria: Ambry Variant Classification Scheme 2023. Collection method: clinical testing. Allele origin: germline.

Genome-Nilou Lab
Classification: Uncertain significance for Developmental and epileptic encephalopathy, 18. Last evaluated: 2023-04-11. Review status: criteria provided, single submitter. Criteria: ACMG Guidelines, 2015. Collection method: clinical testing. Allele origin: germline. Affected: no.

Greenwood Genetic Center Diagnostic Laboratories, Greenwood Genetic Center
Classification: Uncertain significance. Last evaluated: 2022-10-25. Review status: criteria provided, single submitter. Criteria: ACMG Guidelines, 2015. Collection method: clinical testing. Allele origin: germline. Affected: yes.
Comment: PM2, BP4

Labcorp Genetics (formerly Invitae), Labcorp
Classification: Uncertain significance. Last evaluated: 2022-08-06. Review status: criteria provided, single submitter. Criteria: Invitae Variant Classification Sherloc (09022015). Collection method: clinical testing. Allele origin: germline.
Comment: This sequence change replaces glutamine, which is neutral and polar, with arginine, which is basic and polar, at codon 1213 of the SZT2 protein (p.Gln1213Arg). This variant is present in population databases (rs771793753, gnomAD 0.0009%). This missense change has been observed in individual(s) with clinical features of SZT2-related conditions (Invitae). ClinVar contains an entry for this variant (Variation ID: 950016). Algorithms developed to predict the effect of missense changes on protein structure and function are either unavailable or do not agree on the potential impact of this missense change (SIFT: "Deleterious"; PolyPhen-2: "Benign"; Align-GVGD: "Class C0"). In summary, the available evidence is currently insufficient to determine the role of this variant in disease. Therefore, it has been classified as a Variant of Uncertain Significance.